The following is an entry in ClinVar:

NM_001854.4(COL11A1):c.1727C>G (p.Pro576Arg)

Gene: COL11A1 (collagen type XI alpha 1 chain; minus strand). Cytogenetic location: 1p21.1.
Variant type: single nucleotide variant.
Coding change: c.1727C>G on transcript NM_001854.4 (MANE Select); coding-DNA position 1727, C replaced by G.
Protein change: p.Pro576Arg; replaces proline 576 with arginine.
Molecular consequence: missense variant. On other transcripts: non-coding transcript variant (1).
Genome position (GRCh38, 1-based): chr1:103,006,272, G>C on the plus strand (C>G on the coding strand, the complement: COL11A1 is on the minus strand). VCF-style: chr1-103006272-G-C. GRCh37 (hg19) VCF-style: chr1-103471828-G-C.
Other names: c.1379C>G, p.Pro460Arg (NM_001168249.1, NM_080630.4); c.1610C>G, p.Pro537Arg (NM_001190709.2); c.1763C>G, p.Pro588Arg (NM_080629.3); c.1727C>G (NM_001854.3); short protein forms P460R, P576R, P588R, P537R.
Identifiers: ClinVar variation 1987982 (VCV001987982.5), dbSNP rs2525408720, ClinGen allele CA341174977.
Genomic context (GRCh38, chr1:103,006,272, plus strand): 5'-TAATGATCATGGCAGATGCCTTCAAAATGCACAATGAAAATAAGCCATACCCTTTTTCCA[G>C]GTTTTCCCGTTGGACCAGGGGGACCCTGGACGCCTCGAGGGCCCTATATCAAGACATCAT-3'
Protein context (NP_001845.3, residues 566-586): VQGPPGPTGK[Pro576Arg]GKRGRPGADG

ClinVar aggregate classification (germline): Uncertain significance. Review status: criteria provided, multiple submitters, no conflicts (2 of 4 stars). 2 submissions from 2 submitters: Uncertain significance (2). Last evaluated 2025-06-23.

Conditions:
Inborn genetic diseases. Identifiers: MedGen C0950123, MeSH D030342.

gnomAD v4.1: 1 of 1,608,606 alleles (0.000062%); no homozygotes.

Submissions (2):

Ambry Genetics
Classification: Uncertain significance for Inborn genetic diseases. Last evaluated: 2025-06-23. Review status: criteria provided, single submitter. Criteria: Ambry Variant Classification Scheme 2023. Collection method: clinical testing. Allele origin: germline.

Labcorp Genetics (formerly Invitae), Labcorp
Classification: Uncertain significance. Last evaluated: 2023-11-27. Review status: criteria provided, single submitter. Criteria: Invitae Variant Classification Sherloc (09022015). Collection method: clinical testing. Allele origin: germline.
Comment: This sequence change replaces proline, which is neutral and non-polar, with arginine, which is basic and polar, at codon 576 of the COL11A1 protein (p.Pro576Arg). This variant is not present in population databases (gnomAD no frequency). This variant has not been reported in the literature in individuals affected with COL11A1-related conditions. ClinVar contains an entry for this variant (Variation ID: 1987982). Advanced modeling of protein sequence and biophysical properties (such as structural, functional, and spatial information, amino acid conservation, physicochemical variation, residue mobility, and thermodynamic stability) performed at Invitae indicates that this missense variant is not expected to disrupt COL11A1 protein function with a negative predictive value of 95%. In summary, the available evidence is currently insufficient to determine the role of this variant in disease. Therefore, it has been classified as a Variant of Uncertain Significance.